The following is an entry in ClinVar:

NM_014956.5(CEP164):c.1084G>A (p.Glu362Lys)

Gene: CEP164 (centrosomal protein 164; plus strand). Cytogenetic location: 11q23.3.
Variant type: single nucleotide variant.
Coding change: c.1084G>A on transcript NM_014956.5 (MANE Select); coding-DNA position 1084, G replaced by A.
Protein change: p.Glu362Lys; replaces glutamic acid 362 with lysine.
Molecular consequence: missense variant.
Genome position (GRCh38, 1-based): chr11:117,371,398, G>A. VCF-style: chr11-117371398-G-A. GRCh37 (hg19) VCF-style: chr11-117242114-G-A.
Other names: c.1084G>A, p.Glu362Lys (NM_001271933.2, NM_001440949.1, NM_001440950.1 and 16 more transcripts); c.1006G>A, p.Glu336Lys (NM_001440952.1, NM_001440954.1, NM_001440955.1 and 17 more transcripts); c.946G>A, p.Glu316Lys (NM_001440960.1); short protein forms E336K, E362K, E316K.
Identifiers: ClinVar variation 4996710 (VCV004996710.1).

ClinVar aggregate classification (germline): Uncertain significance (1 of 4 stars; one submission).

Conditions:
CEP164-related disorder. Also called: CEP164-related condition.

gnomAD v4.1: 1 of 1,614,186 alleles (0.000062%); highest among the groups gnomAD compares: Admixed American, 0.0017%; no homozygotes.

Submission:

PreventionGenetics, part of Exact Sciences
Classification: Uncertain significance for CEP164-related condition. Last evaluated: 2026-04-24. Review status: criteria provided, single submitter. Criteria: ACMG Guidelines, 2015. Collection method: clinical testing. Allele origin: germline.
Comment: The CEP164 c.1084G>A variant is predicted to result in the amino acid substitution p.Glu362Lys. To our knowledge, this variant has not been reported in the literature or in a large population database (gnomAD), indicating this variant is rare. At this time, the clinical significance of this variant is uncertain due to the absence of conclusive functional and genetic evidence.